The following is an entry in ClinVar:

ClinVar aggregate classification (germline): Uncertain significance. Review status: criteria provided, multiple submitters, no conflicts (2 of 4 stars). 2 submissions from 2 submitters: Uncertain significance (2). Last evaluated 2024-10-26.

Allele frequency attached by ClinVar (database versions not stated): gnomAD exomes 0.00001 and 0.00005; ExAC 0.00002; ESP Exome Variant Server 0.00008; gnomAD 0.00018 and 0.00019; 1000 Genomes Project 0.00020; TOPMed 0.00026; 1000 Genomes Project 30x 0.00031.
gnomAD v4.1: 65 of 1,613,998 alleles (0.004%); highest among the groups gnomAD compares: African/African-American, 0.045%; no homozygotes.

Submissions (2):

Labcorp Genetics (formerly Invitae), Labcorp
Classification: Uncertain significance. Last evaluated: 2024-10-26. Review status: criteria provided, single submitter. Criteria: Invitae Variant Classification Sherloc (09022015). Collection method: clinical testing. Allele origin: germline.
Comment: This sequence change replaces proline, which is neutral and non-polar, with arginine, which is basic and polar, at codon 225 of the MAK protein (p.Pro225Arg). This variant is present in population databases (rs112257972, gnomAD 0.05%). This variant has not been reported in the literature in individuals affected with MAK-related conditions. ClinVar contains an entry for this variant (Variation ID: 835614). Invitae Evidence Modeling of protein sequence and biophysical properties (such as structural, functional, and spatial information, amino acid conservation, physicochemical variation, residue mobility, and thermodynamic stability) indicates that this missense variant is not expected to disrupt MAK protein function with a negative predictive value of 80%. In summary, the available evidence is currently insufficient to determine the role of this variant in disease. Therefore, it has been classified as a Variant of Uncertain Significance.

Blueprint Genetics
Classification: Uncertain significance. Last evaluated: 2023-03-29. Review status: criteria provided, single submitter. Criteria: ACMG Guidelines, 2015. Collection method: clinical testing. Allele origin: germline.

NM_001242957.3(MAK):c.674C>G (p.Pro225Arg)

Gene: MAK (male germ cell associated kinase; minus strand). Cytogenetic location: 6p24.2.
Variant type: single nucleotide variant.
Coding change: c.674C>G on transcript NM_001242957.3 (MANE Select); coding-DNA position 674, C replaced by G.
Protein change: p.Pro225Arg; replaces proline 225 with arginine.
Molecular consequence: missense variant. On other transcripts: non-coding transcript variant (2).
Genome position (GRCh38, 1-based): chr6:10,802,049, G>C on the plus strand (C>G on the coding strand, the complement: MAK is on the minus strand). VCF-style: chr6-10802049-G-C. GRCh37 (hg19) VCF-style: chr6-10802282-G-C.
Other names: c.674C>G, p.Pro225Arg (NM_001242385.2, NM_005906.6); c.572C>G, p.Pro191Arg (NM_001377262.1); short protein forms P191R, P225R.
Identifiers: ClinVar variation 835614 (VCV000835614.7), dbSNP rs112257972, ClinGen allele CA3633644.